The following is an entry in ClinVar:

NM_001627.4(ALCAM):c.902C>T (p.Thr301Met)

Gene: ALCAM (activated leukocyte cell adhesion molecule; plus strand). Cytogenetic location: 3q13.11.
Variant type: single nucleotide variant.
Coding change: c.902C>T on transcript NM_001627.4 (MANE Select); coding-DNA position 902, C replaced by T.
Protein change: p.Thr301Met; replaces threonine 301 with methionine.
Molecular consequence: missense variant.
Genome position (GRCh38, 1-based): chr3:105,541,676, C>T. VCF-style: chr3-105541676-C-T. GRCh37 (hg19) VCF-style: chr3-105260520-C-T.
Other names: c.902C>T, p.Thr301Met (NM_001243280.2, NM_001243281.2); short protein forms T301M.
Identifiers: ClinVar variation 1242703 (VCV001242703.3), dbSNP rs1044243, ClinGen allele CA2524077.

ClinVar aggregate classification (germline): Benign. Review status: criteria provided, multiple submitters, no conflicts (2 of 4 stars). 2 submissions from 2 submitters: Benign (2). Last evaluated 2020-02-17.

Allele frequency attached by ClinVar (database versions not stated): 1000 Genomes Project 0.05212; 1000 Genomes Project 30x 0.05387; TOPMed 0.07588; gnomAD 0.08308 and 0.08386; ESP Exome Variant Server 0.08742; gnomAD exomes 0.11136.
gnomAD v4.1: 174,494 of 1,611,820 alleles (11%); highest among the groups gnomAD compares: Non-Finnish European, 12%; 10,505 homozygotes.

Submissions (2):

GeneDx
Classification: Benign. Last evaluated: 2020-02-17. Review status: criteria provided, single submitter. Criteria: GeneDx Variant Classification Process June 2021. Collection method: clinical testing. Allele origin: germline. Affected: yes.
Comment: This variant is associated with the following publications: (PMID: 21935604)

Breakthrough Genomics
Classification: Benign. Review status: criteria provided, single submitter. Criteria: ACMG Guidelines, 2015. Collection method: not provided. Allele origin: germline. Inheritance: Unknown mechanism. Affected: yes.